The following is an entry in ClinVar:

NM_006767.4(LZTR1):c.1251C>G (p.Tyr417Ter)

Gene: LZTR1 (leucine zipper like post translational regulator 1; plus strand). Cytogenetic location: 22q11.21.
Variant type: single nucleotide variant.
Coding change: c.1251C>G on transcript NM_006767.4 (MANE Select); coding-DNA position 1251, C replaced by G.
Protein change: p.Tyr417Ter; replaces tyrosine 417 with a stop codon.
Molecular consequence: nonsense.
Genome position (GRCh38, 1-based): chr22:20,992,895, C>G. VCF-style: chr22-20992895-C-G. GRCh37 (hg19) VCF-style: chr22-21347184-C-G.
Other names: short protein forms Y417*.
Identifiers: ClinVar variation 1323264 (VCV001323264.40), dbSNP rs1924657431, ClinGen allele CA410774133.

ClinVar aggregate classification (germline): Pathogenic. Review status: criteria provided, multiple submitters, no conflicts (2 of 4 stars). 5 submissions from 5 submitters: Pathogenic (5). Last evaluated 2026-07-21.

Conditions:
Cardiovascular phenotype. Identifiers: MedGen CN230736.
Hereditary cancer-predisposing syndrome. Also called: Hereditary Cancer Syndrome; Tumor predisposition; Neoplastic Syndromes, Hereditary; Hereditary neoplastic syndrome. Identifiers: Orphanet 140162, MedGen C0027672, MeSH D009386, MONDO:0015356.

Allele frequency attached by ClinVar (database versions not stated): gnomAD 0.00001; TOPMed 0.00001.

Submissions (5):

GeneDx
Classification: Pathogenic. Last evaluated: 2026-07-21. Review status: criteria provided, single submitter. Criteria: GeneDx Variant Classification Process June 2021. Collection method: clinical testing. Allele origin: germline.
Comment: Nonsense variant predicted to result in protein truncation or nonsense mediated decay in a gene for which loss of function is a known mechanism of disease; Not observed at significant frequency in large population cohorts (gnomAD); This variant is associated with the following publications: (PMID: 33219631)

Labcorp Genetics (formerly Invitae), Labcorp
Classification: Pathogenic. Last evaluated: 2026-01-26. Review status: criteria provided, single submitter. Criteria: Invitae Variant Classification Sherloc (09022015). Collection method: clinical testing. Allele origin: germline.
Comment: This sequence change creates a premature translational stop signal (p.Tyr417*) in the LZTR1 gene. It is expected to result in an absent or disrupted protein product. Loss-of-function variants in LZTR1 are known to be pathogenic (PMID: 24362817, 25335493, 25480913, 25795793, 29469822, 30368668, 30442762, 30442766, 30481304, 30859559). This variant is not present in population databases (gnomAD no frequency). This variant has not been reported in the literature in individuals affected with LZTR1-related conditions. ClinVar contains an entry for this variant (Variation ID: 1323264). For these reasons, this variant has been classified as Pathogenic.

CeGaT Center for Human Genetics Tuebingen
Classification: Pathogenic. Last evaluated: 2025-06-01. Review status: criteria provided, single submitter. Criteria: CeGaT Center For Human Genetics Tuebingen Variant Classification Criteria Version 2. Collection method: clinical testing. Allele origin: germline. Affected: yes. Observed: 2 variant alleles.
Comment: LZTR1: PVS1, PM2

Ambry Genetics
Classification: Pathogenic for Cardiovascular phenotype; Hereditary cancer-predisposing syndrome. Last evaluated: 2025-03-08. Review status: criteria provided, single submitter. Criteria: Ambry Variant Classification Scheme 2023. Collection method: clinical testing. Allele origin: germline.
Comment: The p.Y417* variant (also known as c.1251C>G), located in coding exon 11 of the LZTR1 gene, results from a C to G substitution at nucleotide position 1251. This changes the amino acid from a tyrosine to a stop codon within coding exon 11. This variant has been reported, in the compound heterozygous state, in a patient with autosomal recessive Noonan syndrome (Mena R et al. Am J Med Genet C Semin Med Genet, 2020 12;184:996-1008). This alteration is expected to result in loss of function by premature protein truncation or nonsense-mediated mRNA decay. Loss-of-function variants in LZTR1 are related to an increased risk for schwannomas and autosomal recessive Noonan syndrome; however, such associations with autosomal dominant Noonan syndrome have not been observed (Piotrowski A et al. Nat Genet. 2014 Feb;46:182-7; Yamamoto GL et al. J Med Genet. 2015 Jun;52:413-21; Johnston JJ et al. Genet Med. 2018 10;20:1175-1185). Based on the supporting evidence, this variant is pathogenic for an increased risk of LZTR1-related schwannomatosis (SWN) and would be expected to cause autosomal recessive Noonan syndrome when present along with a second pathogenic or likely pathogenic variant on the other allele; however, the association of this alteration with autosomal dominant Noonan syndrome is unlikely.

Revvity Omics, Revvity
Classification: Pathogenic. Last evaluated: 2019-08-08. Review status: criteria provided, single submitter. Criteria: ACMG Guidelines, 2015. Collection method: clinical testing. Allele origin: germline.

Literature cited by the submitters: PubMed 24362817 (cited by Labcorp Genetics (formerly Invitae), Labcorp); PubMed 25335493 (cited by Labcorp Genetics (formerly Invitae), Labcorp); PubMed 25480913 (cited by Labcorp Genetics (formerly Invitae), Labcorp); PubMed 25795793 (cited by Labcorp Genetics (formerly Invitae), Labcorp); PubMed 29469822 (cited by Labcorp Genetics (formerly Invitae), Labcorp); PubMed 30368668 (cited by Labcorp Genetics (formerly Invitae), Labcorp); PubMed 30442762 (cited by Labcorp Genetics (formerly Invitae), Labcorp); PubMed 30442766 (cited by Labcorp Genetics (formerly Invitae), Labcorp); PubMed 30481304 (cited by Labcorp Genetics (formerly Invitae), Labcorp); PubMed 30859559 (cited by Labcorp Genetics (formerly Invitae), Labcorp); PubMed 33219631 (cited by Ambry Genetics).